The following is an entry in ClinVar:

NM_021226.4(ARHGAP22):c.1494G>A (p.Pro498=)

Gene: ARHGAP22 (Rho GTPase activating protein 22; minus strand). Cytogenetic location: 10q11.22.
Variant type: single nucleotide variant.
Coding change: c.1494G>A on transcript NM_021226.4 (MANE Select); coding-DNA position 1494, G replaced by A.
Protein change: p.Pro498=; no amino-acid change (proline 498 retained).
Molecular consequence: synonymous variant. On other transcripts: non-coding transcript variant (6).
Genome position (GRCh38, 1-based): chr10:48,450,635, C>T on the plus strand (G>A on the coding strand, the complement: ARHGAP22 is on the minus strand). VCF-style: chr10-48450635-C-T. GRCh37 (hg19) VCF-style: chr10-49658678-C-T.
Other names: c.1542G>A, p.Pro514= (NM_001256024.2); c.1512G>A, p.Pro504= (NM_001256025.3, NM_001347738.2); c.1224G>A, p.Pro408= (NM_001256026.2); c.1365G>A, p.Pro455= (NM_001347735.2).
Identifiers: ClinVar variation 2640446 (VCV002640446.24), dbSNP rs78948042, ClinGen allele CA5491163.
Genomic context (GRCh38, chr10:48,450,635, plus strand): 5'-GCTGGACGAGGCCCCGGACCACGCCATACTGGCCACGCTGGGTATGCCGGGGACCAGGCC[C>T]GGCGCGGGCACATTGTCGTAGGTGGAGAGTCTCTGCACGGAGCCCGAGTCCTTGAGCCGG-3'
Protein context (NP_067049.2, residues 488-508): RLSTYDNVPA[Pro498=]GLVPGIPSVA

ClinVar aggregate classification (germline): Likely benign (1 of 4 stars; one submission).

Allele frequency attached by ClinVar (database versions not stated): ExAC 0.00033; ESP Exome Variant Server 0.00033.
gnomAD v4.1: 894 of 1,549,530 alleles (0.058%); highest among the groups gnomAD compares: Non-Finnish European, 0.071%; 1 homozygote.

Submission:

CeGaT Center for Human Genetics Tuebingen
Classification: Likely benign. Last evaluated: 2022-06-01. Review status: criteria provided, single submitter. Criteria: CeGaT Center For Human Genetics Tuebingen Variant Classification Criteria Version 2. Collection method: clinical testing. Allele origin: germline. Affected: yes. Observed: 1 variant allele.
Comment: ARHGAP22: BP4, BP7